The following is an entry in ClinVar:

NM_000426.4(LAMA2):c.3203T>C (p.Leu1068Ser)

Gene: LAMA2 (laminin subunit alpha 2; plus strand). Cytogenetic location: 6q22.33.
Variant type: single nucleotide variant.
Coding change: c.3203T>C on transcript NM_000426.4 (MANE Select); coding-DNA position 3203, T replaced by C.
Protein change: p.Leu1068Ser; replaces leucine 1068 with serine.
Molecular consequence: missense variant.
Genome position (GRCh38, 1-based): chr6:129,312,889, T>C. VCF-style: chr6-129312889-T-C. GRCh37 (hg19) VCF-style: chr6-129634034-T-C.
Other names: p.Leu1068Ser; c.3203T>C, p.Leu1068Ser (NM_001079823.2); short protein forms L1068S.
Identifiers: ClinVar variation 904575 (VCV000904575.14), dbSNP rs752736343, ClinGen allele CA3993208.

ClinVar aggregate classification (germline): Conflicting classifications of pathogenicity. Review status: criteria provided, conflicting classifications (1 of 4 stars). 4 submissions from 4 submitters: Uncertain significance (3); Likely benign (1). Last evaluated 2025-12-15.

Conditions:
Inborn genetic diseases. Identifiers: MedGen C0950123, MeSH D030342.
LAMA2-related muscular dystrophy (LAMA2-RD). Also called: Laminin alpha 2-related dystrophy. Identifiers: MedGen C5679788, MONDO:0100228.
Congenital muscular dystrophy due to partial LAMA2 deficiency. Identifiers: MedGen C1842898.

Allele frequency attached by ClinVar (database versions not stated): gnomAD 0.00001 and 0.00005; TOPMed 0.00001; gnomAD exomes 0.00008 and 0.00014; ExAC 0.00015.
gnomAD v4.1: 132 of 1,614,000 alleles (0.0082%); highest among the groups gnomAD compares: South Asian, 0.14%; 2 homozygotes.

Submissions (4):

Labcorp Genetics (formerly Invitae), Labcorp
Classification: Likely benign for LAMA2-related muscular dystrophy. Last evaluated: 2025-12-15. Review status: criteria provided, single submitter. Criteria: Invitae Variant Classification Sherloc (09022015). Collection method: clinical testing. Allele origin: germline.

Ambry Genetics
Classification: Uncertain significance for Inborn genetic diseases. Last evaluated: 2024-01-02. Review status: criteria provided, single submitter. Criteria: Ambry Variant Classification Scheme 2023. Collection method: clinical testing. Allele origin: germline.

Mayo Clinic Laboratories, Mayo Clinic
Classification: Uncertain significance. Last evaluated: 2022-11-17. Review status: criteria provided, single submitter. Criteria: ACMG Guidelines, 2015. Collection method: clinical testing. Allele origin: germline. Observed: 1 variant allele.
Comment: BP4

Illumina Laboratory Services, Illumina
Classification: Uncertain significance for Congenital muscular dystrophy due to partial LAMA2 deficiency. Last evaluated: 2018-01-13. Review status: criteria provided, single submitter. Criteria: ICSL Variant Classification Criteria 13 December 2019. Collection method: clinical testing. Allele origin: germline.